The following is an entry in ClinVar:

ClinVar aggregate classification (germline): Uncertain significance. Review status: reviewed by expert panel (3 of 4 stars). 4 submissions from 4 submitters: Uncertain significance (1). 3 of the submissions do not count toward it. Last evaluated 2025-11-06.

Conditions:
Inborn genetic diseases. Identifiers: MedGen C0950123, MeSH D030342.
Glanzmann thrombasthenia. Also called: BLEEDING DISORDER, PLATELET-TYPE, 2; THROMBASTHENIA OF GLANZMANN AND NAEGELI; PLATELET GLYCOPROTEIN IIb-IIIa DEFICIENCY; Glanzmann's thrombasthenia; Thrombasthenia. Identifiers: Orphanet 849, MedGen C0040015, MONDO:0100326.

Allele frequency attached by ClinVar (database versions not stated): gnomAD 0.00001; ExAC 0.00002; TOPMed 0.00003.
gnomAD v4.1: 74 of 1,583,754 alleles (0.0047%); highest among the groups gnomAD compares: Admixed American, 0.011%; no homozygotes.

Submissions (4):

ClinGen Platelet Disorders Variant Curation Expert Panel, ClinGen
Classification: Uncertain significance for Glanzmann thrombasthenia. Last evaluated: 2025-11-06. Review status: reviewed by expert panel. Criteria: ClinGen Platelet ACMG Specifications v2-1. Collection method: curation. Allele origin: germline. Inheritance: Autosomal recessive inheritance.
Comment: NM_000419.5(ITGA2B):c.2206G>T (p.Val736Leu) is a missense variant for which the computational predictor REVEL gives a score of 0.019, below the ClinGen PD VCEP threshold of <0.25 and predicts no damaging effect on ITGA2B function (BP4), and no splicing effect is predicted by SpliceAI. The highest population minor allele frequency in gnomAD v4.1 is 0.000108 (6/55442 alleles) in the Admixed American genetic ancestry group, which is above than the ClinGen PD VCEP threshold of <0.0001 for PM2_Supporting but below the >0.00158 threshold for BS1. After a thorough literature search, this variant has not been reported in a Glanzmann thrombasthenia patient to our knowledge. ClinVar contains an entry for this variant (Variation ID: 2328709) with multiple VUS submissions (SCV003663171.2, SCV004296045.2, SCV005412749.1), none reporting an affected individual. In summary, this variant meets the criteria to be classified as Uncertain significance - insufficient evidence for autosomal recessive inheritance of Glanzmann thrombasthenia based on the ACMG/AMP criteria applied, as specified by the ClinGen PD VCEP: BP4 (VCEP specifications version 2.1).

Labcorp Genetics (formerly Invitae), Labcorp
Classification: Uncertain significance for Glanzmann thrombasthenia. Last evaluated: 2025-06-22. Review status: criteria provided, single submitter. Criteria: Invitae Variant Classification Sherloc (09022015). Collection method: clinical testing. Allele origin: germline. Not counted in ClinVar's aggregate classification.
Comment: This sequence change replaces valine, which is neutral and non-polar, with leucine, which is neutral and non-polar, at codon 736 of the ITGA2B protein (p.Val736Leu). The frequency data for this variant in the population databases is considered unreliable, as metrics indicate poor data quality at this position in the gnomAD database. This variant has not been reported in the literature in individuals affected with ITGA2B-related conditions. ClinVar contains an entry for this variant (Variation ID: 2328709). An algorithm developed to predict the effect of missense changes on protein structure and function outputs the following: PolyPhen-2: "Benign". The leucine amino acid residue is found in multiple mammalian species, which suggests that this missense change does not adversely affect protein function. In summary, the available evidence is currently insufficient to determine the role of this variant in disease. Therefore, it has been classified as a Variant of Uncertain Significance.

Mayo Clinic Laboratories, Mayo Clinic
Classification: Uncertain significance. Last evaluated: 2024-05-13. Review status: criteria provided, single submitter. Criteria: ACMG Guidelines, 2015. Collection method: clinical testing. Allele origin: germline. Observed: 1 variant allele. Not counted in ClinVar's aggregate classification.
Comment: BP4, PM2_moderate

Ambry Genetics
Classification: Uncertain significance for Inborn genetic diseases. Last evaluated: 2022-11-21. Review status: criteria provided, single submitter. Criteria: Ambry Variant Classification Scheme 2023. Collection method: clinical testing. Allele origin: germline. Not counted in ClinVar's aggregate classification.

NM_000419.5(ITGA2B):c.2206G>T (p.Val736Leu)

Gene: ITGA2B (integrin subunit alpha 2b; minus strand). Cytogenetic location: 17q21.31.
Variant type: single nucleotide variant.
Coding change: c.2206G>T on transcript NM_000419.5 (MANE Select); coding-DNA position 2206, G replaced by T.
Protein change: p.Val736Leu; replaces valine 736 with leucine.
Molecular consequence: missense variant.
Genome position (GRCh38, 1-based): chr17:44,377,070, C>A on the plus strand (G>T on the coding strand, the complement: ITGA2B is on the minus strand). VCF-style: chr17-44377070-C-A. GRCh37 (hg19) VCF-style: chr17-42454438-C-A.
Other names: p.Val736Leu; NM_000419.5(ITGA2B):c.2206G>T; short protein forms V736L.
Identifiers: ClinVar variation 2328709 (VCV002328709.6), dbSNP rs758570877, ClinGen allele CA8602779.